The following is an entry in ClinVar:

ClinVar aggregate classification (germline): Likely benign (1 of 4 stars; one submission).

gnomAD v4.1: 1 of 1,610,806 alleles (0.000062%); highest among the groups gnomAD compares: Non-Finnish European, 0.000085%; no homozygotes.

Submission:

CeGaT Center for Human Genetics Tuebingen
Classification: Likely benign. Last evaluated: 2025-10-01. Review status: criteria provided, single submitter. Criteria: CeGaT Center For Human Genetics Tuebingen Variant Classification Criteria Version 2. Collection method: clinical testing. Allele origin: germline. Affected: yes. Observed: 1 variant allele.
Comment: TTN: BP4, BP7

NM_001267550.2(TTN):c.62706A>G (p.Glu20902=)

Genes: TTN (titin; minus strand), TTN-AS1 (TTN antisense RNA 1; plus strand). Cytogenetic location: 2q31.2.
Variant type: single nucleotide variant.
Coding change: c.62706A>G on transcript NM_001267550.2 (MANE Select); coding-DNA position 62706, A replaced by G.
Protein change: p.Glu20902=; no amino-acid change (glutamic acid 20902 retained).
Molecular consequence: synonymous variant.
Genome position (GRCh38, 1-based): chr2:178,589,019, T>C on the plus strand (A>G on the coding strand, the complement: TTN is on the minus strand). VCF-style: chr2-178589019-T-C. GRCh37 (hg19) VCF-style: chr2-179453746-T-C.
Other names: c.35511A>G, p.Glu11837= (NM_003319.4); c.55002A>G, p.Glu18334= (NM_133378.4); c.35886A>G, p.Glu11962= (NM_133432.3); c.36087A>G, p.Glu12029= (NM_133437.4); c.57783A>G, p.Glu19261= (NM_001256850.1).
Identifiers: ClinVar variation 4534826 (VCV004534826.6).